The following is an entry in ClinVar:

ClinVar aggregate classification (germline): Likely benign (0 of 4 stars; one submission).

Conditions:
PNPLA6-related disorder. Also called: PNPLA6-related condition; PNPLA6-related disorders.

Submission:

PreventionGenetics, part of Exact Sciences
Classification: Likely benign for PNPLA6-related condition. Last evaluated: 2023-10-13. Review status: no assertion criteria provided. Collection method: clinical testing. Allele origin: germline.
Comment: This variant is classified as likely benign based on ACMG/AMP sequence variant interpretation guidelines (Richards et al. 2015 PMID: 25741868, with internal and published modifications).

NM_001166114.2(PNPLA6):c.414-9T>A

Gene: PNPLA6 (patatin like domain 6, lysophospholipase; plus strand). Cytogenetic location: 19p13.2.
Variant type: single nucleotide variant.
Coding change: c.414-9T>A on transcript NM_001166114.2 (MANE Select); 9 bases into the intron before coding-DNA position 414, T replaced by A.
Molecular consequence: intron variant.
Genome position (GRCh38, 1-based): chr19:7,539,909, T>A. VCF-style: chr19-7539909-T-A. GRCh37 (hg19) VCF-style: chr19-7604795-T-A.
Other names: c.297-9T>A (NM_006702.5, NM_001166112.2, NM_001166113.1); c.441-9T>A (NM_001166111.2).
Identifiers: ClinVar variation 3050435 (VCV003050435.2), dbSNP rs2023051004, ClinGen allele CA993159205.